The following is an entry in ClinVar:

NM_001378183.1(PIEZO2):c.7092C>T (p.Tyr2364=)

Gene: PIEZO2 (piezo type mechanosensitive ion channel component 2; minus strand). Cytogenetic location: 18p11.22.
Variant type: single nucleotide variant.
Coding change: c.7092C>T on transcript NM_001378183.1 (MANE Select); coding-DNA position 7092, C replaced by T.
Protein change: p.Tyr2364=; no amino-acid change (tyrosine 2364 retained).
Molecular consequence: synonymous variant.
Genome position (GRCh38, 1-based): chr18:10,696,172, G>A on the plus strand (C>T on the coding strand, the complement: PIEZO2 is on the minus strand). VCF-style: chr18-10696172-G-A. GRCh37 (hg19) VCF-style: chr18-10696170-G-A.
Other names: c.6828C>T, p.Tyr2276= (NM_001410871.1); c.6753C>T, p.Tyr2251= (NM_022068.4).
Identifiers: ClinVar variation 3047356 (VCV003047356.2), dbSNP rs185544887, ClinGen allele CA8892083.
Genomic context (GRCh38, chr18:10,696,172, plus strand): 5'-GTGAATTCCGAACACAAGAATGACCTGGAAGATGACCTTTCCCAGTACAGTCTTCCTGAG[G>A]TAGAGGGCTCGGTCCACCACCATGGTTCCAAACTGAATGAGGACCATCACCAAAAACGGC-3'
Protein context (NP_001365112.1, residues 2354-2374): FGTMVVDRAL[Tyr2364=]LRKTVLGKVI

ClinVar aggregate classification (germline): Likely benign (0 of 4 stars; one submission).

Conditions:
PIEZO2-related disorder. Also called: PIEZO2-related disorders; PIEZO2-related condition.

Allele frequency attached by ClinVar (database versions not stated): gnomAD 0.00001; ExAC 0.00002; gnomAD exomes 0.00002; TOPMed 0.00002; 1000 Genomes Project 30x 0.00031; 1000 Genomes Project 0.00040.
gnomAD v4.1: 33 of 1,614,110 alleles (0.002%); highest among the groups gnomAD compares: Middle Eastern, 0.033%; no homozygotes.

Submission:

PreventionGenetics, part of Exact Sciences
Classification: Likely benign for PIEZO2-related condition. Last evaluated: 2019-02-28. Review status: no assertion criteria provided. Collection method: clinical testing. Allele origin: germline.
Comment: This variant is classified as likely benign based on ACMG/AMP sequence variant interpretation guidelines (Richards et al. 2015 PMID: 25741868, with internal and published modifications).